The following is an entry in ClinVar:

ClinVar aggregate classification (germline): Uncertain significance. Review status: criteria provided, multiple submitters, no conflicts (2 of 4 stars). 2 submissions from 2 submitters: Uncertain significance (2). Last evaluated 2025-01-27.

Conditions:
Inborn genetic diseases. Identifiers: MedGen C0950123, MeSH D030342.
Monocytopenia with susceptibility to infections. Also called: IMMUNODEFICIENCY 21; GATA2 DEFICIENCY; MONOCYTOPENIA AND MYCOBACTERIAL INFECTION SYNDROME; MONOCYTOPENIA WITH SUSCEPTIBILITY TO MYCOBACTERIAL, FUNGAL, AND PAPILLOMAVIRUS INFECTIONS AND MYELODYSPLASIA; COMBINED IMMUNODEFICIENCY WITH SUSCEPTIBILITY TO MYCOBACTERIAL, VIRAL, AND FUNGAL INFECTIONS; Dendritic cell, monocyte, B lymphocyte, and natural killer lymphocyte deficiency. Identifiers: Orphanet 228423, MedGen C3280030, MONDO:0013607, OMIM 614172.
Deafness-lymphedema-leukemia syndrome. Also called: Lymphedema, primary, with myelodysplasia; Emberger syndrome. Identifiers: Orphanet 3226, MedGen C3279664, MONDO:0013540, OMIM 614038.

Allele frequency attached by ClinVar (database versions not stated): gnomAD exomes below 0.00001.
gnomAD v4.1: 1 of 1,610,948 alleles (0.000062%); highest among the groups gnomAD compares: Non-Finnish European, 0.000085%; no homozygotes.

Submissions (2):

Ambry Genetics
Classification: Uncertain significance for Inborn genetic diseases. Last evaluated: 2025-01-27. Review status: criteria provided, single submitter. Criteria: Ambry Variant Classification Scheme 2023. Collection method: clinical testing. Allele origin: germline.
Comment: The p.H21L variant (also known as c.62A>T), located in coding exon 1 of the GATA2 gene, results from an A to T substitution at nucleotide position 62. The histidine at codon 21 is replaced by leucine, an amino acid with similar properties. This amino acid position is conserved. In addition, this alteration is predicted to be deleterious by in silico analysis. Based on the available evidence, the clinical significance of this variant remains unclear.

Labcorp Genetics (formerly Invitae), Labcorp
Classification: Uncertain significance for Monocytopenia with susceptibility to infections; Deafness-lymphedema-leukemia syndrome. Last evaluated: 2019-10-30. Review status: criteria provided, single submitter. Criteria: Invitae Variant Classification Sherloc (09022015). Collection method: clinical testing. Allele origin: germline.
Comment: In summary, the available evidence is currently insufficient to determine the role of this variant in disease. Therefore, it has been classified as a Variant of Uncertain Significance. Algorithms developed to predict the effect of missense changes on protein structure and function are either unavailable or do not agree on the potential impact of this missense change (SIFT: "Deleterious"; PolyPhen-2: "Possibly Damaging"; Align-GVGD: "Class C0"). This variant has not been reported in the literature in individuals with GATA2-related conditions. ClinVar contains an entry for this variant (Variation ID: 654649). This variant is not present in population databases (ExAC no frequency). This sequence change replaces histidine with leucine at codon 21 of the GATA2 protein (p.His21Leu). The histidine residue is moderately conserved and there is a moderate physicochemical difference between histidine and leucine.

NM_032638.5(GATA2):c.62A>T (p.His21Leu)

Gene: GATA2 (GATA binding protein 2; minus strand). Cytogenetic location: 3q21.3.
Variant type: single nucleotide variant.
Coding change: c.62A>T on transcript NM_032638.5 (MANE Select); coding-DNA position 62, A replaced by T.
Protein change: p.His21Leu; replaces histidine 21 with leucine.
Molecular consequence: missense variant.
Genome position (GRCh38, 1-based): chr3:128,486,970, T>A on the plus strand (A>T on the coding strand, the complement: GATA2 is on the minus strand). VCF-style: chr3-128486970-T-A. GRCh37 (hg19) VCF-style: chr3-128205813-T-A.
Other names: c.62A>T, p.His21Leu (NM_001145661.2, NM_001145662.1); short protein forms H21L.
Identifiers: ClinVar variation 654649 (VCV000654649.11), dbSNP rs1576749923, ClinGen allele CA354409096.